The following is an entry in ClinVar:

ClinVar aggregate classification (germline): Likely benign (1 of 4 stars; one submission).

Allele frequency attached by ClinVar (database versions not stated): ExAC 0.00003; gnomAD 0.00006 and 0.00007; gnomAD exomes 0.00006 and 0.00013; TOPMed 0.00008; ESP Exome Variant Server 0.00015.
gnomAD v4.1: 212 of 1,613,128 alleles (0.013%); highest among the groups gnomAD compares: Non-Finnish European, 0.016%; no homozygotes.

Submission:

GeneDx
Classification: Likely benign. Last evaluated: 2016-08-09. Review status: criteria provided, single submitter. Criteria: GeneDx Variant Classification (06012015). Collection method: clinical testing. Allele origin: germline. Affected: yes.
Comment: This variant is considered likely benign or benign based on one or more of the following criteria: it is a conservative change, it occurs at a poorly conserved position in the protein, it is predicted to be benign by multiple in silico algorithms, and/or has population frequency not consistent with disease.

NM_013391.3(DMGDH):c.2385+12G>C

Gene: DMGDH (dimethylglycine dehydrogenase; minus strand). Cytogenetic location: 5q14.1.
Variant type: single nucleotide variant.
Coding change: c.2385+12G>C on transcript NM_013391.3 (MANE Select); 12 bases into the intron after coding-DNA position 2385, G replaced by C.
Molecular consequence: intron variant.
Genome position (GRCh38, 1-based): chr5:79,005,261, C>G on the plus strand (G>C on the coding strand, the complement: DMGDH is on the minus strand). VCF-style: chr5-79005261-C-G. GRCh37 (hg19) VCF-style: chr5-78301084-C-G.
Identifiers: ClinVar variation 388411 (VCV000388411.1), dbSNP rs200356715, ClinGen allele CA3318446.